The following is an entry in ClinVar:

ClinVar aggregate classification (germline): Uncertain significance. Review status: criteria provided, multiple submitters, no conflicts (2 of 4 stars). 2 submissions from 2 submitters: Uncertain significance (2). Last evaluated 2026-07-02.

Conditions:
HDAC2-related disorder. Also called: HDAC2-related condition.
Neurodevelopmental disorder. Identifiers: MedGen C1535926, MeSH D065886, MONDO:0700092.

Submissions (2):

PreventionGenetics, part of Exact Sciences
Classification: Uncertain significance for HDAC2-related condition. Last evaluated: 2026-07-02. Review status: criteria provided, single submitter. Criteria: ACMG Guidelines, 2015. Collection method: clinical testing. Allele origin: germline.
Comment: The HDAC2 c.1364_1365delAG variant is predicted to result in a frameshift and premature protein termination (p.Glu455Glyfs*7). To our knowledge, this variant has not been reported in the literature or in a large population database (gnomAD), indicating this variant is rare. Based on gene constraint metrics in gnomAD, HDAC2 appears to be constrained for loss-of-function variation (pLI = 1); however, loss of function has not been conclusively established as a mechanism of HDAC2-related disease, and supporting evidence is currently limited (Di Fede et al. 2024. PubMed ID: 38753158). At this time, the clinical significance of this variant is uncertain due to the absence of conclusive functional and genetic evidence.

Broad Center for Mendelian Genomics, Broad Institute of MIT and Harvard
Classification: Uncertain significance for Neurodevelopmental disorder. Last evaluated: 2026-03-02. Review status: criteria provided, single submitter. Criteria: ACMG Guidelines, 2015. Collection method: research. Allele origin: germline. Inheritance: Autosomal dominant inheritance.
Comment: The p.Glu455GlyfsTer7 variant in HDAC2 has not been previously reported in the literature in individuals with neurodevelopmental disorders, and was absent from large population studies. This variant is predicted to cause a frameshift, which alters the protein’s amino acid sequence beginning at position 455 and leads to a premature termination codon 7 amino acids downstream. This alteration is then predicted to lead to a truncated or absent protein. It is of note that loss of function of HDAC2 in an autosomal dominant disease has not yet been established based on the criteria laid out in Tayoun et al., 2018 (PMID: 30192042). While variants in the HDAC2 gene have been reported in individuals with neurodevelopmental disorders, this association has not been definitively established. In summary, given the limited information about this gene-disease relationship, the significance of the p.Glu455GlyfsTer7 variant is uncertain.

NM_001527.4(HDAC2):c.1364_1365del (p.Glu455fs)

Gene: HDAC2 (histone deacetylase 2; minus strand). Cytogenetic location: 6q21.
Variant type: Microsatellite.
Coding change: c.1364_1365del on transcript NM_001527.4 (MANE Select); coding-DNA positions 1364 to 1365, 2 bases deleted (AG; older notation c.1364_1365delAG).
Protein change: p.Glu455fs; shifts the reading frame from glutamic acid 455.
Molecular consequence: frameshift variant. On other transcripts: non-coding transcript variant (2).
Genome position (GRCh38, 1-based): chr6:113,943,364-113,943,365, CT deleted on the plus strand (AG on the coding strand, the reverse complement: HDAC2 is on the minus strand); deleting any 2 consecutive bases within chr6:113,943,364-113,943,367 gives the same sequence; the c. name uses the placement nearest the transcript's 3' end. VCF-style (leftmost placement, unchanged base first): chr6-113943363-CCT-C. GRCh37 (hg19) VCF-style: chr6-114264527-CCT-C.
Other names: NR_073443.2:n.1562_1563del; c.1364_1365delAG (NM_001527.3); short protein forms E455fs.
Identifiers: ClinVar variation 4819475 (VCV004819475.2).